The following is an entry in ClinVar:

ClinVar aggregate classification (germline): Uncertain significance (1 of 4 stars; one submission).

Conditions:
Inborn genetic diseases. Identifiers: MedGen C0950123, MeSH D030342.

Allele frequency attached by ClinVar (database versions not stated): TOPMed 0.00002; gnomAD exomes below 0.00001; gnomAD 0.00001.
gnomAD v4.1: 7 of 1,612,038 alleles (0.00043%); highest among the groups gnomAD compares: Admixed American, 0.0017%; no homozygotes.

Submission:

Ambry Genetics
Classification: Uncertain significance for Inborn genetic diseases. Last evaluated: 2026-08-23. Review status: criteria provided, single submitter. Criteria: Ambry Variant Classification Scheme 2023. Collection method: clinical testing. Allele origin: germline.
Comment: The c.1033A>G (p.T345A) alteration is located in exon 10 (coding exon 8) of the KDM4B gene. This alteration results from a A to G substitution at nucleotide position 1033, causing the threonine (T) at amino acid position 345 to be replaced by an alanine (A). This variant was not reported in population-based cohorts in the Genome Aggregation Database (gnomAD). This amino acid position is not well conserved in available vertebrate species. This alteration is predicted to be tolerated by in silico analysis. Based on insufficient or conflicting evidence, the clinical significance of this alteration remains unclear.

NM_015015.3(KDM4B):c.1033A>G (p.Thr345Ala)

Gene: KDM4B (lysine demethylase 4B; plus strand). Cytogenetic location: 19p13.3.
Variant type: single nucleotide variant.
Coding change: c.1033A>G on transcript NM_015015.3 (MANE Select); coding-DNA position 1033, A replaced by G.
Protein change: p.Thr345Ala; replaces threonine 345 with alanine.
Molecular consequence: missense variant.
Genome position (GRCh38, 1-based): chr19:5,110,736, A>G. VCF-style: chr19-5110736-A-G. GRCh37 (hg19) VCF-style: chr19-5110747-A-G.
Other names: c.1033A>G, p.Thr345Ala (NM_001370093.1, NM_001370094.1, NM_001411148.1); short protein forms T345A.
Identifiers: ClinVar variation 2309104 (VCV002309104.3), dbSNP rs1466512977, ClinGen allele CA403495050.